The following is an entry in ClinVar:

NM_003560.4(PLA2G6):c.905T>G (p.Met302Arg)

Gene: PLA2G6 (phospholipase A2 group VI; minus strand). Cytogenetic location: 22q13.1.
Variant type: single nucleotide variant.
Coding change: c.905T>G on transcript NM_003560.4 (MANE Select); coding-DNA position 905, T replaced by G.
Protein change: p.Met302Arg; replaces methionine 302 with arginine.
Molecular consequence: missense variant.
Genome position (GRCh38, 1-based): chr22:38,133,003, A>C on the plus strand (T>G on the coding strand, the complement: PLA2G6 is on the minus strand). VCF-style: chr22-38133003-A-C. GRCh37 (hg19) VCF-style: chr22-38529010-A-C.
Other names: c.905T>G, p.Met302Arg (NM_001004426.3, NM_001199562.3, NM_001349864.2 and 2 more transcripts); c.371T>G, p.Met124Arg (NM_001349867.2, NM_001349869.2); c.227T>G, p.Met76Arg (NM_001349868.2); short protein forms M124R, M302R, M76R.
Identifiers: ClinVar variation 3233795 (VCV003233795.3), dbSNP rs763585194, ClinGen allele CA411530957.

ClinVar aggregate classification (germline): Uncertain significance. Review status: criteria provided, single submitter (1 of 4 stars). 2 submissions from 2 submitters: Uncertain significance (1). 1 of the submissions does not count toward it. Last evaluated 2024-03-22.

Conditions:
Infantile neuroaxonal dystrophy (NBIA2A). Also called: NEURODEGENERATION WITH BRAIN IRON ACCUMULATION 2A; SEITELBERGER DISEASE; Infantile neuroaxonal dystrophy 1. Identifiers: Orphanet 35069, MedGen C0270724, MONDO:0024457, OMIM 256600.

gnomAD v4.1: 4 of 1,564,262 alleles (0.00026%); highest among the groups gnomAD compares: South Asian, 0.0047%; no homozygotes.

Submissions (2):

Women's Health and Genetics/Laboratory Corporation of America, LabCorp
Classification: Uncertain significance. Last evaluated: 2024-03-22. Review status: criteria provided, single submitter. Criteria: LabCorp Variant Classification Summary - May 2015. Collection method: clinical testing. Allele origin: germline.
Comment: Variant summary: PLA2G6 c.905T>G (p.Met302Arg) results in a non-conservative amino acid change in the encoded protein sequence. Three of five in-silico tools predict a benign effect of the variant on protein function. The variant was absent in 176170 control chromosomes (gnomAD). c.905T>G has been reported in the literature in the homozygous state in an individual affected with Neurodegeneration With Brain Iron Accumulation (Kurian_2008). These data indicate that the variant may be associated with disease. To our knowledge, no experimental evidence demonstrating an impact on protein function has been reported. The following publication has been ascertained in the context of this evaluation (PMID: 18443314). No submitters have cited clinical-significance assessments for this variant to ClinVar. Based on the evidence outlined above, the variant was classified as VUS-possibly pathogenic.

Dr. Muhammad Imran Shabbir Lab, International Islamic University Islamabad
Classification: Uncertain significance for Infantile neuroaxonal dystrophy. Review status: no assertion criteria provided. Collection method: research. Allele origin: inherited. Affected: yes. Not counted in ClinVar's aggregate classification.

Literature cited by the submitters: PubMed 18443314 (cited by Women's Health and Genetics/Laboratory Corporation of America, LabCorp).